The following is an entry in ClinVar:

ClinVar aggregate classification (germline): Uncertain significance (1 of 4 stars; one submission).

Submission:

Labcorp Genetics (formerly Invitae), Labcorp
Classification: Uncertain significance. Last evaluated: 2025-03-31. Review status: criteria provided, single submitter. Criteria: Invitae Variant Classification Sherloc (09022015). Collection method: clinical testing. Allele origin: germline.
Comment: This sequence change replaces glutamine, which is neutral and polar, with glutamic acid, which is acidic and polar, at codon 696 of the CARMIL2 protein (p.Gln696Glu). This variant is not present in population databases (gnomAD no frequency). This variant has not been reported in the literature in individuals affected with CARMIL2-related conditions. Invitae Evidence Modeling of protein sequence and biophysical properties (such as structural, functional, and spatial information, amino acid conservation, physicochemical variation, residue mobility, and thermodynamic stability) indicates that this missense variant is not expected to disrupt CARMIL2 protein function with a negative predictive value of 80%. In summary, the available evidence is currently insufficient to determine the role of this variant in disease. Therefore, it has been classified as a Variant of Uncertain Significance.

NM_001013838.3(CARMIL2):c.2086C>G (p.Gln696Glu)

Gene: CARMIL2 (capping protein regulator and myosin 1 linker 2; plus strand). Cytogenetic location: 16q22.1.
Variant type: single nucleotide variant.
Coding change: c.2086C>G on transcript NM_001013838.3 (MANE Select); coding-DNA position 2086, C replaced by G.
Protein change: p.Gln696Glu; replaces glutamine 696 with glutamic acid.
Molecular consequence: missense variant.
Genome position (GRCh38, 1-based): chr16:67,650,052, C>G. VCF-style: chr16-67650052-C-G. GRCh37 (hg19) VCF-style: chr16-67683955-C-G.
Other names: c.1978C>G, p.Gln660Glu (NM_001317026.3, NM_001438244.1, NM_001438835.1); short protein forms Q660E, Q696E.
Identifiers: ClinVar variation 4740473 (VCV004740473.1).